The following is an entry in ClinVar:

ClinVar aggregate classification (germline): Uncertain significance (1 of 4 stars; one submission).

Conditions:
Inborn genetic diseases. Identifiers: MedGen C0950123, MeSH D030342.

Submission:

Ambry Genetics
Classification: Uncertain significance for Inborn genetic diseases. Last evaluated: 2024-12-01. Review status: criteria provided, single submitter. Criteria: Ambry Variant Classification Scheme 2023. Collection method: clinical testing. Allele origin: germline.
Comment: The p.E1356K variant (also known as c.4066G>A), located in coding exon 1 of the SAMD9 gene, results from a G to A substitution at nucleotide position 4066. The glutamic acid at codon 1356 is replaced by lysine, an amino acid with similar properties. This amino acid position is conserved. In addition, this alteration is predicted to be tolerated by in silico analysis. Based on the available evidence, the clinical significance of this variant remains unclear.

NM_017654.4(SAMD9):c.4066G>A (p.Glu1356Lys)

Gene: SAMD9 (sterile alpha motif domain containing 9; minus strand). Cytogenetic location: 7q21.2.
Variant type: single nucleotide variant.
Coding change: c.4066G>A on transcript NM_017654.4 (MANE Select); coding-DNA position 4066, G replaced by A.
Protein change: p.Glu1356Lys; replaces glutamic acid 1356 with lysine.
Molecular consequence: missense variant.
Genome position (GRCh38, 1-based): chr7:93,102,032, C>T on the plus strand (G>A on the coding strand, the complement: SAMD9 is on the minus strand). VCF-style: chr7-93102032-C-T. GRCh37 (hg19) VCF-style: chr7-92731345-C-T.
Other names: c.4066G>A, p.Glu1356Lys (NM_001193307.2); short protein forms E1356K.
Identifiers: ClinVar variation 3437068 (VCV003437068.1).
Genomic context (GRCh38, chr7:93,102,032, plus strand): 5'-ATTGTTCTAAGAGAAAAGTATATTCGTTCACTATACATTTCATAGTGCTTATAGCATCCT[C>T]TTGACTTTTGATAAGATATTCCAAGAGCCCAGAAAACTTGTCTGCTTTTAAAGCTACTAG-3'
Protein context (NP_060124.2, residues 1346-1366): GLLEYLIKSQ[Glu1356Lys]DAISTMKCIV